The following is an entry in ClinVar:

ClinVar aggregate classification (germline): Uncertain significance (1 of 4 stars; one submission).

Conditions:
Neuropathy, hereditary sensory, type 2C. Also called: Hereditary sensory and autonomic neuropathy type IIC; KIF1A-Related HSAN2 (HSAN2C). Identifiers: Orphanet 970, MedGen C3280168, MONDO:0013634, OMIM 614213.
Intellectual disability, autosomal dominant 9 (NESCAVS). Also called: NESCAV SYNDROME; KIF1A-Related Neurodevelopmental Disorder. Identifiers: Orphanet 662367, MedGen C5393830, MONDO:0013656, OMIM 614255.
Hereditary spastic paraplegia 30. Identifiers: Orphanet 101010, MedGen C5235139, MONDO:0012476.

Allele frequency attached by ClinVar (database versions not stated): gnomAD exomes below 0.00001; TOPMed below 0.00001; gnomAD 0.00001.
gnomAD v4.1: 2 of 1,523,044 alleles (0.00013%); highest among the groups gnomAD compares: Admixed American, 0.0021%; no homozygotes.

Submission:

Labcorp Genetics (formerly Invitae), Labcorp
Classification: Uncertain significance for Hereditary spastic paraplegia 30; Neuropathy, hereditary sensory, type 2C; Intellectual disability, autosomal dominant 9. Last evaluated: 2022-08-24. Review status: criteria provided, single submitter. Criteria: Invitae Variant Classification Sherloc (09022015). Collection method: clinical testing. Allele origin: germline.
Comment: This sequence change replaces valine, which is neutral and non-polar, with leucine, which is neutral and non-polar, at codon 1388 of the KIF1A protein (p.Val1388Leu). This variant is not present in population databases (gnomAD no frequency). This variant has not been reported in the literature in individuals affected with KIF1A-related conditions. Algorithms developed to predict the effect of missense changes on protein structure and function are either unavailable or do not agree on the potential impact of this missense change (SIFT: "Deleterious"; PolyPhen-2: "Possibly Damaging"; Align-GVGD: "Class C0"). Algorithms developed to predict the effect of sequence changes on RNA splicing suggest that this variant may disrupt the consensus splice site. In summary, the available evidence is currently insufficient to determine the role of this variant in disease. Therefore, it has been classified as a Variant of Uncertain Significance.

NM_001244008.2(KIF1A):c.4465G>T (p.Val1489Leu)

Gene: KIF1A (kinesin family member 1A; minus strand). Cytogenetic location: 2q37.3.
Variant type: single nucleotide variant.
Coding change: c.4465G>T on transcript NM_001244008.2 (MANE Select); coding-DNA position 4465, G replaced by T.
Protein change: p.Val1489Leu; replaces valine 1489 with leucine.
Molecular consequence: missense variant.
Genome position (GRCh38, 1-based): chr2:240,722,656, C>A on the plus strand (G>T on the coding strand, the complement: KIF1A is on the minus strand). VCF-style: chr2-240722656-C-A. GRCh37 (hg19) VCF-style: chr2-241662073-C-A.
Other names: c.4189G>T, p.Val1397Leu (NM_001320705.2, NM_001379649.1); c.4216G>T, p.Val1406Leu (NM_001330289.2); c.4264G>T, p.Val1422Leu (NM_001330290.2, NM_001379648.1); c.4540G>T, p.Val1514Leu (NM_001379631.1); c.4441G>T, p.Val1481Leu (NM_001379632.1); c.4438G>T, p.Val1480Leu (NM_001379633.1, NM_001379645.1); c.4291G>T, p.Val1431Leu (NM_001379634.1); c.4288G>T, p.Val1430Leu (NM_001379635.1, NM_001379646.1); and 7 more; short protein forms V1396L, V1405L, V1413L, V1430L, V1406L, V1431L, V1480L, V1489L.
Identifiers: ClinVar variation 2146091 (VCV002146091.4), dbSNP rs2045544493, ClinGen allele CA351304464.